The following is an entry in ClinVar:

NM_001166108.2(PALLD):c.484G>A (p.Gly162Ser)

Gene: PALLD (palladin, cytoskeletal associated protein; plus strand). Cytogenetic location: 4q32.3.
Variant type: single nucleotide variant.
Coding change: c.484G>A on transcript NM_001166108.2 (MANE Select); coding-DNA position 484, G replaced by A.
Protein change: p.Gly162Ser; replaces glycine 162 with serine.
Molecular consequence: missense variant.
Genome position (GRCh38, 1-based): chr4:168,511,988, G>A. VCF-style: chr4-168511988-G-A. GRCh37 (hg19) VCF-style: chr4-169433139-G-A.
Other names: c.484G>A, p.Gly162Ser (NM_016081.4); short protein forms G162S.
Identifiers: ClinVar variation 1743559 (VCV001743559.2), dbSNP rs1431940568, ClinGen allele CA358726126.

ClinVar aggregate classification (germline): Uncertain significance (1 of 4 stars; one submission).

gnomAD v4.1: 2 of 1,614,162 alleles (0.00012%); highest among the groups gnomAD compares: African/African-American, 0.0013%; no homozygotes.

Submission:

Ambry Genetics
Classification: Uncertain significance. Last evaluated: 2021-07-25. Review status: criteria provided, single submitter. Criteria: Ambry Variant Classification Scheme 2023. Collection method: clinical testing. Allele origin: germline.
Comment: The p.G162S variant (also known as c.484G>A), located in coding exon 1 of the PALLD gene, results from a G to A substitution at nucleotide position 484. The glycine at codon 162 is replaced by serine, an amino acid with similar properties. This amino acid position is conserved. In addition, this alteration is predicted to be tolerated by in silico analysis. Since supporting evidence is limited at this time, the clinical significance of this alteration remains unclear.